The following is an entry in ClinVar:

NM_007373.4(SHOC2):c.1231A>G (p.Thr411Ala)

Gene: SHOC2 (SHOC2 leucine rich repeat scaffold protein; plus strand). Cytogenetic location: 10q25.2.
Variant type: single nucleotide variant.
Coding change: c.1231A>G on transcript NM_007373.4 (MANE Select); coding-DNA position 1231, A replaced by G.
Protein change: p.Thr411Ala; replaces threonine 411 with alanine.
Molecular consequence: missense variant. On other transcripts: non-coding transcript variant (1).
Genome position (GRCh38, 1-based): chr10:111,007,600, A>G. VCF-style: chr10-111007600-A-G. GRCh37 (hg19) VCF-style: chr10-112767358-A-G.
Other names: c.1093A>G, p.Thr365Ala (NM_001269039.3); c.1231A>G, p.Thr411Ala (NM_001324336.2, NM_001324337.2); short protein forms T411A, T365A.
Identifiers: ClinVar variation 181530 (VCV000181530.5), dbSNP rs730881021, ClinGen allele CA297181.

ClinVar aggregate classification (germline): Uncertain significance. Review status: criteria provided, single submitter (1 of 4 stars). 2 submissions from 2 submitters: Uncertain significance (1). 1 of the submissions does not count toward it. Last evaluated 2022-11-17.

Conditions:
RASopathy. Also called: rasopathies; Noonan spectrum disorder. Identifiers: Orphanet 536391, MedGen C5555857, MONDO:0021060.
Noonan syndrome (NS). Also called: Noonan's syndrome. Identifiers: Orphanet 648, MedGen C0028326, MeSH D009634, MONDO:0018997. Disease mechanism: gain of function.

Submissions (2):

Labcorp Genetics (formerly Invitae), Labcorp
Classification: Uncertain significance for RASopathy. Last evaluated: 2022-11-17. Review status: criteria provided, single submitter. Criteria: Invitae Variant Classification Sherloc (09022015). Collection method: clinical testing. Allele origin: germline.
Comment: In summary, the available evidence is currently insufficient to determine the role of this variant in disease. Therefore, it has been classified as a Variant of Uncertain Significance. Advanced modeling of protein sequence and biophysical properties (such as structural, functional, and spatial information, amino acid conservation, physicochemical variation, residue mobility, and thermodynamic stability) performed at Invitae indicates that this missense variant is not expected to disrupt SHOC2 protein function. ClinVar contains an entry for this variant (Variation ID: 181530). This variant has not been reported in the literature in individuals affected with SHOC2-related conditions. This variant is not present in population databases (gnomAD no frequency). This sequence change replaces threonine, which is neutral and polar, with alanine, which is neutral and non-polar, at codon 411 of the SHOC2 protein (p.Thr411Ala).

Service de Génétique Moléculaire, Hôpital Robert Debré
Classification: Uncertain significance for Noonan syndrome. Review status: no assertion criteria provided. Collection method: clinical testing. Allele origin: unknown. Not counted in ClinVar's aggregate classification.